The following is an entry in ClinVar:

NM_001613.4(ACTA2):c.83C>T (p.Ala28Val)

Gene: ACTA2 (actin alpha 2, smooth muscle; minus strand). Cytogenetic location: 10q23.31.
Variant type: single nucleotide variant.
Coding change: c.83C>T on transcript NM_001613.4 (MANE Select); coding-DNA position 83, C replaced by T.
Protein change: p.Ala28Val; replaces alanine 28 with valine.
Molecular consequence: missense variant.
Genome position (GRCh38, 1-based): chr10:88,948,848, G>A on the plus strand (C>T on the coding strand, the complement: ACTA2 is on the minus strand). VCF-style: chr10-88948848-G-A. GRCh37 (hg19) VCF-style: chr10-90708605-G-A.
Other names: p.Ala28Val; c.83C>T, p.Ala28Val (NM_001141945.3, NM_001320855.2, NM_001406462.1 and 7 more transcripts); short protein forms A28V.
Identifiers: ClinVar variation 263583 (VCV000263583.19), dbSNP rs886038855, ClinGen allele CA10587715.
Genomic context (GRCh38, chr10:88,948,848, plus strand): 5'-ATAATTTTCCTCACCTGATGTCTGGGACGTCCCACAATGGATGGGAAAACAGCCCTGGGA[G>A]CATCGTCCCCAGCAAAGCCGGCCTTACAGAGCCCAGAGCCATTGTCACACACCAAGGCAG-3'
Protein context (NP_001604.1, residues 18-38): LCKAGFAGDD[Ala28Val]PRAVFPSIVG

ClinVar aggregate classification (germline): Uncertain significance. Review status: criteria provided, multiple submitters, no conflicts (2 of 4 stars). 4 submissions from 4 submitters: Uncertain significance (4). Last evaluated 2024-07-31.

Conditions:
Familial thoracic aortic aneurysm and aortic dissection (TAAD). Also called: Thoracic aortic aneurysms and dissections. Identifiers: Orphanet 91387, MedGen C4707243, MONDO:0019625.
Aortic aneurysm, familial thoracic 6 (AAT6). Also called: FAMILIAL THORACIC AORTIC ANEURYSM WITH LIVEDO RETICULARIS AND IRIS FLOCCULI. Identifiers: MedGen C2673186, MONDO:0012730, OMIM 611788.

Submissions (4):

Mayo Clinic Laboratories, Mayo Clinic
Classification: Uncertain significance. Last evaluated: 2024-07-31. Review status: criteria provided, single submitter. Criteria: ACMG Guidelines, 2015. Collection method: clinical testing. Allele origin: germline. Observed: 2 variant alleles.
Comment: PP2, PP3, PM2

Color Diagnostics, LLC DBA Color Health
Classification: Uncertain significance for Familial thoracic aortic aneurysm and aortic dissection. Last evaluated: 2023-12-05. Review status: criteria provided, single submitter. Criteria: ACMG Guidelines, 2015. Collection method: clinical testing. Allele origin: germline.
Comment: Variant of Uncertain Significance due to insufficient evidence: This missense variant replaces alanine with valine at codon 28 of the ACTA2 protein. Computational prediction tools and conservation analyses suggest that this variant may have deleterious impact on the protein function. Computational splicing tools suggest that this variant may not impact RNA splicing. To our knowledge, functional assays have not been performed for this variant nor has this variant been reported in individuals affected with cardiovascular disorders in the literature. This variant is rare in the general population and has been identified in 0/277264 chromosomes by the Genome Aggregation Database (gnomAD). Available evidence is insufficient to determine the role of this variant in disease conclusively.

Ambry Genetics
Classification: Uncertain significance for Familial thoracic aortic aneurysm and aortic dissection. Last evaluated: 2021-07-23. Review status: criteria provided, single submitter. Criteria: Ambry Variant Classification Scheme 2023. Collection method: clinical testing. Allele origin: germline.
Comment: The p.A28V variant (also known as c.83C>T), located in coding exon 1 of the ACTA2 gene, results from a C to T substitution at nucleotide position 83. The alanine at codon 28 is replaced by valine, an amino acid with similar properties. This amino acid position is highly conserved in available vertebrate species. In addition, this alteration is predicted to be deleterious by in silico analysis. Since supporting evidence is limited at this time, the clinical significance of this alteration remains unclear.

Labcorp Genetics (formerly Invitae), Labcorp
Classification: Uncertain significance for Aortic aneurysm, familial thoracic 6. Last evaluated: 2018-03-09. Review status: criteria provided, single submitter. Criteria: Invitae Variant Classification Sherloc (09022015). Collection method: clinical testing. Allele origin: germline.
Comment: In summary, the available evidence is currently insufficient to determine the role of this variant in disease. Therefore, it has been classified as a Variant of Uncertain Significance. Algorithms developed to predict the effect of missense changes on protein structure and function (SIFT, PolyPhen-2, Align-GVGD) all suggest that this variant is likely to be disruptive, but these predictions have not been confirmed by published functional studies and their clinical significance is uncertain. This variant has not been reported in the literature in individuals with ACTA2-related disease. ClinVar contains an entry for this variant (Variation ID: 263583). This variant is not present in population databases (ExAC no frequency). This sequence change replaces alanine with valine at codon 28 of the ACTA2 protein (p.Ala28Val). The alanine residue is highly conserved and there is a small physicochemical difference between alanine and valine.